The following is an entry in ClinVar:

NM_002880.4(RAF1):c.1934T>G (p.Leu645Arg)

Gene: RAF1 (Raf-1 proto-oncogene, serine/threonine kinase; minus strand). Cytogenetic location: 3p25.2.
Variant type: single nucleotide variant.
Coding change: c.1934T>G on transcript NM_002880.4 (MANE Select); coding-DNA position 1934, T replaced by G.
Protein change: p.Leu645Arg; replaces leucine 645 with arginine.
Molecular consequence: missense variant. On other transcripts: non-coding transcript variant (3).
Genome position (GRCh38, 1-based): chr3:12,584,527, A>C on the plus strand (T>G on the coding strand, the complement: RAF1 is on the minus strand). VCF-style: chr3-12584527-A-C. GRCh37 (hg19) VCF-style: chr3-12626026-A-C.
Other names: c.1994T>G, p.Leu665Arg (NM_001354689.3); c.1934T>G, p.Leu645Arg (NM_001354690.3); c.1691T>G, p.Leu564Arg (NM_001354691.3, NM_001354692.3); c.1835T>G, p.Leu612Arg (NM_001354693.3); c.1751T>G, p.Leu584Arg (NM_001354694.3); c.1592T>G, p.Leu531Arg (NM_001354695.3); short protein forms L531R, L564R, L584R, L612R, L645R, L665R.
Identifiers: ClinVar variation 3360167 (VCV003360167.1).

ClinVar aggregate classification (germline): Uncertain significance (1 of 4 stars; one submission).

Submission:

GeneDx
Classification: Uncertain significance. Last evaluated: 2023-06-20. Review status: criteria provided, single submitter. Criteria: GeneDx Variant Classification Process June 2021. Collection method: clinical testing. Allele origin: germline. Affected: yes.
Comment: Has not been previously published as pathogenic or benign to our knowledge; Not observed at significant frequency in large population cohorts (gnomAD); Missense variants in this gene are often considered pathogenic (HGMD); In silico analysis supports that this missense variant does not alter protein structure/function; This variant is associated with the following publications: (PMID: 24957944, 9689060, 15520807, 17603483, 17603482, 29493581, 19020799)